The following is an entry in ClinVar:

ClinVar aggregate classification (germline): Uncertain significance (1 of 4 stars; one submission).

Conditions:
ALG9 congenital disorder of glycosylation (CDG1L). Also called: CONGENITAL DISORDER OF GLYCOSYLATION, TYPE Il; ALG9-CDG; CDG Il. Identifiers: Orphanet 79328, MedGen C2931006, MONDO:0012117, OMIM 608776.

Submission:

Labcorp Genetics (formerly Invitae), Labcorp
Classification: Uncertain significance for ALG9 congenital disorder of glycosylation. Last evaluated: 2022-06-22. Review status: criteria provided, single submitter. Criteria: Invitae Variant Classification Sherloc (09022015). Collection method: clinical testing. Allele origin: germline.
Comment: This sequence change replaces valine, which is neutral and non-polar, with isoleucine, which is neutral and non-polar, at codon 143 of the ATP6V0A2 protein (p.Val143Ile). Information on the frequency of this variant in the gnomAD database is not available, as this variant may be reported differently in the database. This variant has not been reported in the literature in individuals affected with ATP6V0A2-related conditions. Experimental studies and prediction algorithms are not available or were not evaluated, and the functional significance of this variant is currently unknown. In summary, the available evidence is currently insufficient to determine the role of this variant in disease. Therefore, it has been classified as a Variant of Uncertain Significance.

NM_012463.4(ATP6V0A2):c.426_427inv (p.Val143Ile)

Gene: ATP6V0A2 (ATPase H+ transporting V0 subunit a2; plus strand). Cytogenetic location: 12q24.31.
Variant type: Inversion.
Coding change: c.426_427inv on transcript NM_012463.4 (MANE Select).
Protein change: p.Val143Ile; replaces valine 143 with isoleucine.
Molecular consequence: missense variant.
Genome position: GRCh38 VCF-style: chr12-123724785-TG-CA. GRCh37 (hg19) VCF-style: chr12-124209332-TG-CA.
Other names: short protein forms V143I.
Identifiers: ClinVar variation 1461421 (VCV001461421.3), ClinGen allele CA2573148062.